The following is an entry in ClinVar:

NM_015295.3(SMCHD1):c.1330T>G (p.Cys444Gly)

Gene: SMCHD1 (structural maintenance of chromosomes flexible hinge domain containing 1; plus strand). Cytogenetic location: 18p11.32.
Variant type: single nucleotide variant.
Coding change: c.1330T>G on transcript NM_015295.3 (MANE Select); coding-DNA position 1330, T replaced by G.
Protein change: p.Cys444Gly; replaces cysteine 444 with glycine.
Molecular consequence: missense variant.
Genome position (GRCh38, 1-based): chr18:2,698,029, T>G. VCF-style: chr18-2698029-T-G. GRCh37 (hg19) VCF-style: chr18-2698027-T-G.
Other names: short protein forms C444G.
Identifiers: ClinVar variation 1714887 (VCV001714887.6), dbSNP rs2510022018, ClinGen allele CA401698048.
Genomic context (GRCh38, chr18:2,698,029, plus strand): 5'-GAAGGGATTATCCGTTATCATCCATTCTTATATGATAGAGAAACTTACCCTGATGATCCA[T>G]GCTTTCCATCAAGTATGTTAATCTGTTATCTTAGTTATAAAATATGAAGTTGTAATTTAG-3'
Protein context (NP_056110.2, residues 434-454): YDRETYPDDP[Cys444Gly]FPSKLKDEDD

ClinVar aggregate classification (germline): Uncertain significance. Review status: criteria provided, multiple submitters, no conflicts (2 of 4 stars). 2 submissions from 2 submitters: Uncertain significance (2). Last evaluated 2022-08-29.

Conditions:
Facioscapulohumeral muscular dystrophy 2 (FSHD2). Also called: FACIOSCAPULOHUMERAL MUSCULAR DYSTROPHY 2, DIGENIC; MUSCULAR DYSTROPHY, FACIOSCAPULOHUMERAL, TYPE 1B; FSHD2, DIGENIC. Identifiers: Orphanet 269, MedGen C1834671, MONDO:0008031, OMIM 158901.

Submissions (2):

Labcorp Genetics (formerly Invitae), Labcorp
Classification: Uncertain significance for Facioscapulohumeral muscular dystrophy 2. Last evaluated: 2022-08-29. Review status: criteria provided, single submitter. Criteria: Invitae Variant Classification Sherloc (09022015). Collection method: clinical testing. Allele origin: germline.
Comment: This variant has not been reported in the literature in individuals affected with SMCHD1-related conditions. This sequence change replaces cysteine, which is neutral and slightly polar, with glycine, which is neutral and non-polar, at codon 444 of the SMCHD1 protein (p.Cys444Gly). This variant is not present in population databases (gnomAD no frequency). Algorithms developed to predict the effect of missense changes on protein structure and function (SIFT, PolyPhen-2, Align-GVGD) all suggest that this variant is likely to be tolerated. In summary, the available evidence is currently insufficient to determine the role of this variant in disease. Therefore, it has been classified as a Variant of Uncertain Significance.

GeneDx
Classification: Uncertain significance. Last evaluated: 2022-07-11. Review status: criteria provided, single submitter. Criteria: GeneDx Variant Classification Process June 2021. Collection method: clinical testing. Allele origin: germline. Affected: yes.
Comment: Not observed at significant frequency in large population cohorts (gnomAD); In silico analysis supports that this missense variant does not alter protein structure/function; Has not been previously published as pathogenic or benign to our knowledge